The following is an entry in ClinVar:

NM_001005361.3(DNM2):c.1708C>T (p.Leu570Phe)

Gene: DNM2 (dynamin 2; plus strand). Cytogenetic location: 19p13.2.
Variant type: single nucleotide variant.
Coding change: c.1708C>T on transcript NM_001005361.3 (MANE Select); coding-DNA position 1708, C replaced by T.
Protein change: p.Leu570Phe; replaces leucine 570 with phenylalanine.
Molecular consequence: missense variant.
Genome position (GRCh38, 1-based): chr19:10,820,016, C>T. VCF-style: chr19-10820016-C-T. GRCh37 (hg19) VCF-style: chr19-10930692-C-T.
Other names: c.1696C>T, p.Leu566Phe (NM_001005362.3, NM_004945.4); c.1708C>T, p.Leu570Phe (NM_001190716.2, NM_001005360.3); short protein forms L566F, L570F.
Identifiers: ClinVar variation 958214 (VCV000958214.9), dbSNP rs2072921679, ClinGen allele CA404040380.

ClinVar aggregate classification (germline): Uncertain significance (1 of 4 stars; one submission).

Conditions:
Charcot-Marie-Tooth disease dominant intermediate B (CMTDIB). Also called: Charcot-Marie-Tooth disease dominant intermediate 1; CMT DI1; Charcot-Marie-Tooth disease dominant intermediate I; CHARCOT-MARIE-TOOTH NEUROPATHY, DOMINANT INTERMEDIATE B. Identifiers: Orphanet 100044, Orphanet 228179, MedGen C1847902, MONDO:0011674, OMIM 606482.

Submission:

Labcorp Genetics (formerly Invitae), Labcorp
Classification: Uncertain significance for Charcot-Marie-Tooth disease dominant intermediate B. Last evaluated: 2019-10-03. Review status: criteria provided, single submitter. Criteria: Invitae Variant Classification Sherloc (09022015). Collection method: clinical testing. Allele origin: germline.
Comment: This sequence change replaces leucine with phenylalanine at codon 570 of the DNM2 protein (p.Leu570Phe). The leucine residue is highly conserved and there is a small physicochemical difference between leucine and phenylalanine. This variant is not present in population databases (ExAC no frequency). This variant has not been reported in the literature in individuals with DNM2-related conditions. Algorithms developed to predict the effect of missense changes on protein structure and function are either unavailable or do not agree on the potential impact of this missense change (SIFT: "Deleterious"; PolyPhen-2: "Probably Damaging"; Align-GVGD: "Class C0"). In summary, the available evidence is currently insufficient to determine the role of this variant in disease. Therefore, it has been classified as a Variant of Uncertain Significance.